The following is an entry in ClinVar:

NM_001148.6(ANK2):c.3571C>G (p.Arg1191Gly)

Gene: ANK2 (ankyrin 2; plus strand). Cytogenetic location: 4q26.
Variant type: single nucleotide variant.
Coding change: c.3571C>G on transcript NM_001148.6 (MANE Select); coding-DNA position 3571, C replaced by G.
Protein change: p.Arg1191Gly; replaces arginine 1191 with glycine.
Molecular consequence: missense variant. On other transcripts: 5 prime UTR variant (2).
Genome position (GRCh38, 1-based): chr4:113,336,037, C>G. VCF-style: chr4-113336037-C-G. GRCh37 (hg19) VCF-style: chr4-114257193-C-G.
Other names: c.3544C>G, p.Arg1182Gly (NM_001127493.3); c.3583C>G, p.Arg1195Gly (NM_001354225.2); c.3472C>G, p.Arg1158Gly (NM_001354228.2, NM_001354258.2); c.3550C>G, p.Arg1184Gly (NM_001354230.2); c.3613C>G, p.Arg1205Gly (NM_001354231.2, NM_001354242.2); c.3607C>G, p.Arg1203Gly (NM_001354232.2); c.3568C>G, p.Arg1190Gly (NM_001354235.2, NM_001354246.2, NM_001354265.2); c.3469C>G, p.Arg1157Gly (NM_001354236.2); and 31 more; short protein forms R1091G, R1120G, R1158G, R1170G, R1174G, R1184G, R1186G, R1195G.
Identifiers: ClinVar variation 3676895 (VCV003676895.2).

ClinVar aggregate classification (germline): Uncertain significance (1 of 4 stars; one submission).

Conditions:
Long QT syndrome (LQTS). Identifiers: MedGen C0023976, MeSH D008133, MONDO:0002442. Disease mechanism: loss of function. Inheritance: Various modes of inheritance.

gnomAD v4.1: 1 of 1,613,854 alleles (0.000062%); highest among the groups gnomAD compares: Admixed American, 0.0017%; no homozygotes.

Submission:

Labcorp Genetics (formerly Invitae), Labcorp
Classification: Uncertain significance for Long QT syndrome. Last evaluated: 2025-01-07. Review status: criteria provided, single submitter. Criteria: Invitae Variant Classification Sherloc (09022015). Collection method: clinical testing. Allele origin: germline.
Comment: This sequence change replaces arginine, which is basic and polar, with glycine, which is neutral and non-polar, at codon 1191 of the ANK2 protein (p.Arg1191Gly). This variant is not present in population databases (gnomAD no frequency). This variant has not been reported in the literature in individuals affected with ANK2-related conditions. Invitae Evidence Modeling of protein sequence and biophysical properties (such as structural, functional, and spatial information, amino acid conservation, physicochemical variation, residue mobility, and thermodynamic stability) indicates that this missense variant is not expected to disrupt ANK2 protein function with a negative predictive value of 80%. In summary, the available evidence is currently insufficient to determine the role of this variant in disease. Therefore, it has been classified as a Variant of Uncertain Significance.